The following is an entry in ClinVar:

ClinVar aggregate classification (germline): Uncertain significance (1 of 4 stars; one submission).

Conditions:
Primary familial hypertrophic cardiomyopathy (HCM). Identifiers: Orphanet 99739, MedGen C0949658, MeSH D024741, MONDO:0024573. Inheritance: Various modes of inheritance.

Allele frequency attached by ClinVar (database versions not stated): TOPMed 0.00007; ESP Exome Variant Server 0.00008; 1000 Genomes Project 30x 0.00016; 1000 Genomes Project 0.00020.
gnomAD v4.1: 63 of 1,614,152 alleles (0.0039%); highest among the groups gnomAD compares: East Asian, 0.013%; no homozygotes.

Submission:

Labcorp Genetics (formerly Invitae), Labcorp
Classification: Uncertain significance for Primary familial hypertrophic cardiomyopathy. Last evaluated: 2024-11-11. Review status: criteria provided, single submitter. Criteria: Invitae Variant Classification Sherloc (09022015). Collection method: clinical testing. Allele origin: germline.
Comment: This sequence change replaces arginine, which is basic and polar, with histidine, which is basic and polar, at codon 349 of the ILK protein (p.Arg349His). This variant is present in population databases (rs377094824, gnomAD 0.05%), and has an allele count higher than expected for a pathogenic variant. This variant has not been reported in the literature in individuals affected with ILK-related conditions. ClinVar contains an entry for this variant (Variation ID: 864632). An algorithm developed to predict the effect of missense changes on protein structure and function (PolyPhen-2) suggests that this variant is likely to be disruptive. In summary, the available evidence is currently insufficient to determine the role of this variant in disease. Therefore, it has been classified as a Variant of Uncertain Significance.

NM_004517.4(ILK):c.1046G>A (p.Arg349His)

Genes: TAF10 (TATA-box binding protein associated factor 10; minus strand), ILK (integrin linked kinase; plus strand). Cytogenetic location: 11p15.4.
Variant type: single nucleotide variant.
Coding change: c.1046G>A on transcript NM_004517.4 (MANE Select); coding-DNA position 1046, G replaced by A.
Protein change: p.Arg349His; replaces arginine 349 with histidine.
Molecular consequence: missense variant. On other transcripts: 3 prime UTR variant (1).
Genome position (GRCh38, 1-based): chr11:6,610,003, G>A. VCF-style: chr11-6610003-G-A. GRCh37 (hg19) VCF-style: chr11-6631234-G-A.
Other names: c.1046G>A, p.Arg349His (NM_001014794.3, NM_001014795.3); c.863G>A, p.Arg288His (NM_001278441.2); c.644G>A, p.Arg215His (NM_001278442.2); c.*919C>T (NM_006284.4); short protein forms R288H, R349H, R215H.
Identifiers: ClinVar variation 864632 (VCV000864632.10), dbSNP rs377094824, ClinGen allele CA5858253.